The following is an entry in ClinVar:

ClinVar aggregate classification (germline): Uncertain significance (1 of 4 stars; one submission).

Submission:

GeneDx
Classification: Uncertain significance. Last evaluated: 2024-01-05. Review status: criteria provided, single submitter. Criteria: GeneDx Variant Classification Process June 2021. Collection method: clinical testing. Allele origin: germline. Affected: yes.
Comment: Not observed at significant frequency in large population cohorts (gnomAD); In silico analysis supports that this missense variant does not alter protein structure/function; Has not been previously published as pathogenic or benign to our knowledge

NM_001170629.2(CHD8):c.6319A>C (p.Thr2107Pro)

Gene: CHD8 (chromodomain helicase DNA binding protein 8; minus strand). Cytogenetic location: 14q11.2.
Variant type: single nucleotide variant.
Coding change: c.6319A>C on transcript NM_001170629.2 (MANE Select); coding-DNA position 6319, A replaced by C.
Protein change: p.Thr2107Pro; replaces threonine 2107 with proline.
Molecular consequence: missense variant.
Genome position (GRCh38, 1-based): chr14:21,393,476, T>G on the plus strand (A>C on the coding strand, the complement: CHD8 is on the minus strand). VCF-style: chr14-21393476-T-G. GRCh37 (hg19) VCF-style: chr14-21861635-T-G.
Other names: c.5482A>C, p.Thr1828Pro (NM_020920.4); short protein forms T1828P, T2107P.
Identifiers: ClinVar variation 3367551 (VCV003367551.1).
Genomic context (GRCh38, chr14:21,393,476, plus strand): 5'-GGGAAAGAGAAGAGAGGGGGAAATAGGGAAGGGGGCCAACAGCCTGTCACATGCACTCAC[T>G]TAGCTTCTCTTCCTTCTCATCCTCACTCTCATCAGTGCTGGAGCTGGAGCTGGATGAGGA-3'
Protein context (NP_001164100.1, residues 2097-2117): ESEDEKEEKL[Thr2107Pro]DQSRSKLYDE